The following is an entry in ClinVar:

NM_001042492.3(NF1):c.731-15A>G

Gene: NF1 (neurofibromin 1; plus strand). Cytogenetic location: 17q11.2.
Variant type: single nucleotide variant.
Coding change: c.731-15A>G on transcript NM_001042492.3 (MANE Select); 15 bases into the intron before coding-DNA position 731, A replaced by G.
Molecular consequence: intron variant.
Genome position (GRCh38, 1-based): chr17:31,182,493, A>G. VCF-style: chr17-31182493-A-G. GRCh37 (hg19) VCF-style: chr17-29509511-A-G.
Other names: c.731-15A>G (NM_000267.4, NM_001128147.3).
Identifiers: ClinVar variation 1632534 (VCV001632534.9), dbSNP rs768576285, ClinGen allele CA8485635.

ClinVar aggregate classification (germline): Likely benign. Review status: criteria provided, multiple submitters, no conflicts (2 of 4 stars). 2 submissions from 2 submitters: Likely benign (2). Last evaluated 2026-05-11.

Conditions:
Neurofibromatosis, type 1 (NF1). Also called: VON RECKLINGHAUSEN DISEASE; NEUROFIBROMATOSIS, TYPE I, SOMATIC; Neurofibromatosis, type I; Peripheral type neurofibromatosis. Identifiers: Orphanet 636, MedGen C0027831, MONDO:0018975, OMIM 162200. Disease mechanism: loss of function.

Allele frequency attached by ClinVar (database versions not stated): ExAC 0.00002; gnomAD 0.00001; gnomAD exomes 0.00001 and below 0.00001; TOPMed 0.00002.
gnomAD v4.1: 5 of 1,613,254 alleles (0.00031%); highest among the groups gnomAD compares: Admixed American, 0.0067%; no homozygotes.

Submissions (2):

Myriad Genetics, Inc.
Classification: Likely benign for Neurofibromatosis, type 1. Last evaluated: 2026-05-11. Review status: criteria provided, single submitter. Criteria: Myriad Autosomal Dominant, Autosomal Recessive and X-Linked Classification Criteria (2023). Collection method: clinical testing. Allele origin: unknown.
Comment: This variant is considered likely benign. This variant is intronic and is not expected to impact mRNA splicing.

Labcorp Genetics (formerly Invitae), Labcorp
Classification: Likely benign for Neurofibromatosis, type 1. Last evaluated: 2025-12-02. Review status: criteria provided, single submitter. Criteria: Invitae Variant Classification Sherloc (09022015). Collection method: clinical testing. Allele origin: germline.